The following is an entry in ClinVar:

ClinVar aggregate classification (germline): Uncertain significance (1 of 4 stars; one submission).

Conditions:
Bardet-Biedl syndrome (BBS). Identifiers: Orphanet 110, MedGen C0752166, MONDO:0015229.

Submission:

Labcorp Genetics (formerly Invitae), Labcorp
Classification: Uncertain significance for Bardet-Biedl syndrome. Last evaluated: 2024-03-11. Review status: criteria provided, single submitter. Criteria: Invitae Variant Classification Sherloc (09022015). Collection method: clinical testing. Allele origin: germline.
Comment: This sequence change falls in intron 14 of the BBS2 gene. It does not directly change the encoded amino acid sequence of the BBS2 protein. This variant is not present in population databases (gnomAD no frequency). This variant has not been reported in the literature in individuals affected with BBS2-related conditions. ClinVar contains an entry for this variant (Variation ID: 2017401). Algorithms developed to predict the effect of sequence changes on RNA splicing suggest that this variant may disrupt the consensus splice site. In summary, the available evidence is currently insufficient to determine the role of this variant in disease. Therefore, it has been classified as a Variant of Uncertain Significance.

NM_031885.5(BBS2):c.1798-16T>C

Gene: BBS2 (Bardet-Biedl syndrome 2; minus strand). Cytogenetic location: 16q13.
Variant type: single nucleotide variant.
Coding change: c.1798-16T>C on transcript NM_031885.5 (MANE Select); 16 bases into the intron before coding-DNA position 1798, T replaced by C.
Molecular consequence: intron variant.
Genome position (GRCh38, 1-based): chr16:56,497,095, A>G on the plus strand (T>C on the coding strand, the complement: BBS2 is on the minus strand). VCF-style: chr16-56497095-A-G. GRCh37 (hg19) VCF-style: chr16-56531007-A-G.
Other names: c.1798-16T>C (NM_001377456.1).
Identifiers: ClinVar variation 2017401 (VCV002017401.3), dbSNP rs2543695741, ClinGen allele CA2575999849.